The following is an entry in ClinVar:

ClinVar aggregate classification (germline): Likely benign (0 of 4 stars; one submission).

Conditions:
DLX6-related disorder. Also called: DLX6-related condition.

Allele frequency attached by ClinVar (database versions not stated): ExAC 0.00006.
gnomAD v4.1: 13 of 1,524,732 alleles (0.00085%); highest among the groups gnomAD compares: East Asian, 0.018%; no homozygotes.

Submission:

PreventionGenetics, part of Exact Sciences
Classification: Likely benign for DLX6-related condition. Last evaluated: 2020-07-17. Review status: no assertion criteria provided. Collection method: clinical testing. Allele origin: germline.
Comment: This variant is classified as likely benign based on ACMG/AMP sequence variant interpretation guidelines (Richards et al. 2015 PMID: 25741868, with internal and published modifications).

NM_005222.4(DLX6):c.333C>G (p.Arg111=)

Genes: DLX6 (distal-less homeobox 6; plus strand), DLX6-AS1 (DLX6 antisense RNA 1; minus strand), LOC129998836 (ATAC-STARR-seq lymphoblastoid silent region 18385; plus strand). Cytogenetic location: 7q21.3.
Variant type: single nucleotide variant.
Coding change: c.333C>G on transcript NM_005222.4 (MANE Select); coding-DNA position 333, C replaced by G.
Protein change: p.Arg111=; no amino-acid change (arginine 111 retained).
Molecular consequence: synonymous variant.
Genome position (GRCh38, 1-based): chr7:97,006,310, C>G. VCF-style: chr7-97006310-C-G. GRCh37 (hg19) VCF-style: chr7-96635622-C-G.
Identifiers: ClinVar variation 3050908 (VCV003050908.2), dbSNP rs749816102, ClinGen allele CA4353766.